The following is an entry in ClinVar:

NM_001130144.3(LTBP3):c.1936G>C (p.Gly646Arg)

Genes: LTBP3 (latent transforming growth factor beta binding protein 3; minus strand), LOC130006032 (ATAC-STARR-seq lymphoblastoid silent region 3535; plus strand). Cytogenetic location: 11q13.1.
Variant type: single nucleotide variant.
Coding change: c.1936G>C on transcript NM_001130144.3 (MANE Select); coding-DNA position 1936, G replaced by C.
Protein change: p.Gly646Arg; replaces glycine 646 with arginine.
Molecular consequence: missense variant.
Genome position (GRCh38, 1-based): chr11:65,547,732, C>G on the plus strand (G>C on the coding strand, the complement: LTBP3 is on the minus strand). VCF-style: chr11-65547732-C-G. GRCh37 (hg19) VCF-style: chr11-65315203-C-G.
Other names: c.1585G>C, p.Gly529Arg (NM_001164266.1); c.1936G>C, p.Gly646Arg (NM_021070.4); c.1936G>C (NM_001130144.2); short protein forms G529R, G646R.
Identifiers: ClinVar variation 2918049 (VCV002918049.4), dbSNP rs2496154378, ClinGen allele CA381271347.

ClinVar aggregate classification (germline): Uncertain significance. Review status: criteria provided, multiple submitters, no conflicts (2 of 4 stars). 2 submissions from 2 submitters: Uncertain significance (2). Last evaluated 2025-07-25.

Conditions:
Brachyolmia-amelogenesis imperfecta syndrome. Also called: PLATYSPONDYLY WITH AMELOGENESIS IMPERFECTA; Tooth agenesis, selective, 6; Dental anomalies and short stature. Identifiers: Orphanet 2899, MedGen C1832594, MONDO:0011018, OMIM 601216. Disease mechanism: loss of function.
Inborn genetic diseases. Identifiers: MedGen C0950123, MeSH D030342.

Submissions (2):

Labcorp Genetics (formerly Invitae), Labcorp
Classification: Uncertain significance for Brachyolmia-amelogenesis imperfecta syndrome. Last evaluated: 2025-07-25. Review status: criteria provided, single submitter. Criteria: Invitae Variant Classification Sherloc (09022015). Collection method: clinical testing. Allele origin: germline.
Comment: This sequence change replaces glycine, which is neutral and non-polar, with arginine, which is basic and polar, at codon 646 of the LTBP3 protein (p.Gly646Arg). This variant is not present in population databases (gnomAD no frequency). This variant has not been reported in the literature in individuals affected with LTBP3-related conditions. ClinVar contains an entry for this variant (Variation ID: 2918049). An algorithm developed to predict the effect of missense changes on protein structure and function (PolyPhen-2) suggests that this variant is likely to be disruptive. In summary, the available evidence is currently insufficient to determine the role of this variant in disease. Therefore, it has been classified as a Variant of Uncertain Significance.

Ambry Genetics
Classification: Uncertain significance for Inborn genetic diseases. Last evaluated: 2025-06-10. Review status: criteria provided, single submitter. Criteria: Ambry Variant Classification Scheme 2023. Collection method: clinical testing. Allele origin: germline.
Comment: The p.G646R variant (also known as c.1936G>C), located in coding exon 13 of the LTBP3 gene, results from a G to C substitution at nucleotide position 1936. The glycine at codon 646 is replaced by arginine, an amino acid with dissimilar properties. This amino acid position is conserved. In addition, this alteration is predicted to be deleterious by in silico analysis. Based on the available evidence, the clinical significance of this variant remains unclear.